The following is an entry in ClinVar:

ClinVar aggregate classification (germline): Pathogenic. Review status: criteria provided, multiple submitters, no conflicts (2 of 4 stars). 2 submissions from 2 submitters: Pathogenic (2). Last evaluated 2024-05-24.

Conditions:
Hereditary spherocytosis type 1. Also called: Spherocytosis type 1; ANK1-Related Spherocytosis. Identifiers: Orphanet 822, MedGen C2674218, MONDO:0008447, OMIM 182900.

Submissions (2):

Revvity Omics, Revvity
Classification: Pathogenic for Hereditary spherocytosis type 1. Last evaluated: 2024-05-24. Review status: criteria provided, single submitter. Criteria: ACMG Guidelines, 2015. Collection method: clinical testing. Allele origin: germline.

Labcorp Genetics (formerly Invitae), Labcorp
Classification: Pathogenic. Last evaluated: 2021-04-04. Review status: criteria provided, single submitter. Criteria: Invitae Variant Classification Sherloc (09022015). Collection method: clinical testing. Allele origin: germline.
Comment: For these reasons, this variant has been classified as Pathogenic. This variant has been observed in individual(s) with clinical features of spherocytosis (PMID: 29797310). This variant is also known as c.457C>T p.Q153* in the literature. This variant is not present in population databases (ExAC no frequency). This sequence change creates a premature translational stop signal (p.Gln120*) in the ANK1 gene. It is expected to result in an absent or disrupted protein product. Loss-of-function variants in ANK1 are known to be pathogenic (PMID: 8640229).

Literature cited by the submitters: PubMed 29797310 (cited by Labcorp Genetics (formerly Invitae), Labcorp); PubMed 8640229 (cited by Labcorp Genetics (formerly Invitae), Labcorp).

NM_000037.4(ANK1):c.358C>T (p.Gln120Ter)

Gene: ANK1 (ankyrin 1; minus strand). Cytogenetic location: 8p11.21.
Variant type: single nucleotide variant.
Coding change: c.358C>T on transcript NM_000037.4 (MANE Select); coding-DNA position 358, C replaced by T.
Protein change: p.Gln120Ter; replaces glutamine 120 with a stop codon.
Molecular consequence: nonsense.
Genome position (GRCh38, 1-based): chr8:41,727,318, G>A on the plus strand (C>T on the coding strand, the complement: ANK1 is on the minus strand). VCF-style: chr8-41727318-G-A. GRCh37 (hg19) VCF-style: chr8-41584836-G-A.
Other names: c.457C>T, p.Gln153Ter (NM_001142446.2); c.358C>T, p.Gln120Ter (NM_020475.3, NM_020476.3, NM_020477.3); short protein forms Q153*, Q120*.
Identifiers: ClinVar variation 1406324 (VCV001406324.9), dbSNP rs2150661848, ClinGen allele CA371045288.